The following is an entry in ClinVar:

ClinVar aggregate classification (germline): Uncertain significance (1 of 4 stars; one submission).

Submission:

GeneDx
Classification: Uncertain significance. Last evaluated: 2026-02-04. Review status: criteria provided, single submitter. Criteria: GeneDx Variant Classification Process June 2021. Collection method: clinical testing. Allele origin: germline.
Comment: Not observed at significant frequency in large population cohorts (gnomAD); Frameshift variant predicted to result in abnormal protein length as the last 333 amino acid(s) are replaced with 32 different amino acid(s); Has not been previously published as pathogenic or benign to our knowledge

NM_006922.4(SCN3A):c.5000_5001dup (p.Ile1668fs)

Gene: SCN3A (sodium voltage-gated channel alpha subunit 3; minus strand). Cytogenetic location: 2q24.3.
Variant type: Duplication.
Coding change: c.5000_5001dup on transcript NM_006922.4 (MANE Select); coding-DNA positions 5000 to 5001, 2 bases duplicated (TT; older notation c.5000_5001dupTT).
Protein change: p.Ile1668fs; shifts the reading frame from isoleucine 1668.
Molecular consequence: frameshift variant.
Genome position (GRCh38, 1-based): chr2:165,091,152-165,091,153, AA duplicated on the plus strand (TT on the coding strand, the reverse complement: SCN3A is on the minus strand); duplicating any 2 consecutive bases within chr2:165,091,152-165,091,154 gives the same sequence; the c. name uses the placement nearest the transcript's 3' end. VCF-style (leftmost placement, unchanged base first): chr2-165091151-T-TAA. GRCh37 (hg19) VCF-style: chr2-165947661-T-TAA.
Other names: c.4853_4854dup, p.Ile1619fs (NM_001081676.2, NM_001081677.2); short protein forms I1619fs, I1668fs.
Identifiers: ClinVar variation 4975861 (VCV004975861.1).